The following is an entry in ClinVar:

ClinVar aggregate classification (germline): Uncertain significance. Review status: criteria provided, multiple submitters, no conflicts (2 of 4 stars). 3 submissions from 3 submitters: Uncertain significance (3). Last evaluated 2024-02-15.

Conditions:
Wilson disease (WND). Also called: Wilson's disease. Identifiers: Orphanet 905, MedGen C0019202, MONDO:0010200, OMIM 277900. Disease mechanism: loss of function.

Allele frequency attached by ClinVar (database versions not stated): gnomAD 0.00001; gnomAD exomes 0.00001; TOPMed 0.00002; ExAC 0.00003; 1000 Genomes Project 30x 0.00016; 1000 Genomes Project 0.00020.

Submissions (3):

Fulgent Genetics
Classification: Uncertain significance for Wilson disease. Last evaluated: 2024-02-15. Review status: criteria provided, single submitter. Criteria: ACMG Guidelines, 2015. Collection method: clinical testing. Allele origin: germline.

All of Us Research Program, National Institutes of Health
Classification: Uncertain significance for Wilson disease. Last evaluated: 2024-02-05. Review status: criteria provided, single submitter. Criteria: ACMG Guidelines, 2015. Collection method: clinical testing. Allele origin: germline. Inheritance: Autosomal recessive inheritance. Observed: 4 variant alleles, 4 heterozygotes.
Comment: This missense variant replaces proline with serine at codon 232 of the ATP7B protein. Computational prediction suggests that this variant may not impact protein structure and function (internally defined REVEL score threshold <= 0.5, PMID: 27666373). To our knowledge, functional studies have not been reported for this variant. This variant has not been reported in individuals affected with ATP7B-related disorders in the literature. This variant has been identified in 13/249376 chromosomes in the general population by the Genome Aggregation Database (gnomAD). The available evidence is insufficient to determine the role of this variant in disease conclusively. Therefore, this variant is classified as a Variant of Uncertain Significance.

This study involves interpretation of variants in research participants for the purpose of population health screening. Participant phenotype was not available at the time of variant classification. Additional details can be found in publication PMID: 35346344, PMCID: PMC8962531

Labcorp Genetics (formerly Invitae), Labcorp
Classification: Uncertain significance for Wilson disease. Last evaluated: 2022-10-28. Review status: criteria provided, single submitter. Criteria: Invitae Variant Classification Sherloc (09022015). Collection method: clinical testing. Allele origin: germline.
Comment: This sequence change replaces proline, which is neutral and non-polar, with serine, which is neutral and polar, at codon 232 of the ATP7B protein (p.Pro232Ser). This variant is present in population databases (rs201388026, gnomAD 0.03%). This variant has not been reported in the literature in individuals affected with ATP7B-related conditions. Advanced modeling of protein sequence and biophysical properties (such as structural, functional, and spatial information, amino acid conservation, physicochemical variation, residue mobility, and thermodynamic stability) performed at Invitae indicates that this missense variant is not expected to disrupt ATP7B protein function. In summary, the available evidence is currently insufficient to determine the role of this variant in disease. Therefore, it has been classified as a Variant of Uncertain Significance.

NM_000053.4(ATP7B):c.694C>T (p.Pro232Ser)

Gene: ATP7B (ATPase copper transporting beta; minus strand). Cytogenetic location: 13q14.3.
Variant type: single nucleotide variant.
Coding change: c.694C>T on transcript NM_000053.4 (MANE Select); coding-DNA position 694, C replaced by T.
Protein change: p.Pro232Ser; replaces proline 232 with serine.
Molecular consequence: missense variant.
Genome position (GRCh38, 1-based): chr13:51,974,526, G>A on the plus strand (C>T on the coding strand, the complement: ATP7B is on the minus strand). VCF-style: chr13-51974526-G-A. GRCh37 (hg19) VCF-style: chr13-52548662-G-A.
Other names: c.694C>T, p.Pro232Ser (NM_001005918.3, NM_001243182.2, NM_001330578.2 and 30 more transcripts); c.598C>T, p.Pro200Ser (NM_001406517.1, NM_001406518.1, NM_001406530.1 and 4 more transcripts); short protein forms P200S, P232S.
Identifiers: ClinVar variation 1944731 (VCV001944731.4), dbSNP rs201388026, ClinGen allele CA6989511.